The following is an entry in ClinVar:

NM_007294.4(BRCA1):c.1641_1642insG (p.Ile548fs)

Gene: BRCA1 (BRCA1 DNA repair associated; minus strand). Cytogenetic location: 17q21.31.
Variant type: Insertion.
Coding change: c.1641_1642insG on transcript NM_007294.4 (MANE Select); coding-DNA positions 1641 to 1642, G inserted.
Protein change: p.Ile548fs; shifts the reading frame from isoleucine 548.
Molecular consequence: frameshift variant. On other transcripts: intron variant (137).
Genome position: GRCh38 VCF-style: chr17-43093889-T-TC. GRCh37 (hg19) VCF-style: chr17-41245906-T-TC.
Other names: c.1428_1429insG, p.Ile477fs (NM_001407571.1, NM_001407853.1, NM_001407894.1 and 9 more transcripts); c.1641_1642insG, p.Ile548fs (NM_001407581.1, NM_001407582.1, NM_001407583.1 and 30 more transcripts); c.1638_1639insG, p.Ile547fs (NM_001407587.1, NM_001407590.1, NM_001407591.1 and 22 more transcripts); c.1632_1633insG, p.Ile545fs (NM_001407646.1, NM_001407647.1); c.1518_1519insG, p.Ile507fs (NM_001407648.1, NM_001407664.1, NM_001407665.1 and 19 more transcripts); c.1515_1516insG, p.Ile506fs (NM_001407649.1, NM_001407670.1, NM_001407671.1 and 11 more transcripts); c.1563_1564insG, p.Ile522fs (NM_001407653.1, NM_001407654.1, NM_001407655.1 and 4 more transcripts); c.1560_1561insG, p.Ile521fs (NM_001407659.1, NM_001407660.1, NM_001407661.1 and 1 more transcripts); and 40 more; short protein forms I501fs, I548fs, I436fs, I459fs, I477fs, I478fs, I522fs, I380fs.
Identifiers: ClinVar variation 663277 (VCV000663277.10), dbSNP rs1597874930, ClinGen allele CA915950128.

ClinVar aggregate classification (germline): Pathogenic/Likely pathogenic. Review status: criteria provided, multiple submitters, no conflicts (2 of 4 stars). 2 submissions from 2 submitters: Pathogenic (1); Likely pathogenic (1). Last evaluated 2025-08-07.

Conditions:
Hereditary breast ovarian cancer syndrome. Also called: Hereditary breast and ovarian cancer syndrome (HBOC); Hereditary breast and ovarian cancer syndrome; Breast and ovarian cancer; Hereditary breast and ovarian cancer; Hereditary breast and/or ovarian cancer syndrome; BRCA1- and BRCA2-Associated Hereditary Breast and Ovarian Cancer. Identifiers: Orphanet 145, MedGen C0677776, MeSH D061325, MONDO:0003582. Disease mechanism: loss of function.

Submissions (2):

Quest Diagnostics Nichols Institute San Juan Capistrano
Classification: Likely pathogenic. Last evaluated: 2025-08-07. Review status: criteria provided, single submitter. Criteria: Quest Diagnostics criteria. Collection method: clinical testing. Allele origin: unknown.
Comment: The BRCA1 c.1641_1642insG (p.Ile548Aspfs*3) variant alters the translational reading frame of the BRCA1 mRNA and is predicted to cause the premature termination of BRCA1 protein synthesis. This variant has not been reported in individuals with BRCA1-related conditions in the published literature. This variant has not been reported in large, multi-ethnic general populations (Genome Aggregation Database). Based on the available information, this variant is classified as likely pathogenic.

Labcorp Genetics (formerly Invitae), Labcorp
Classification: Pathogenic for Hereditary breast ovarian cancer syndrome. Last evaluated: 2025-04-08. Review status: criteria provided, single submitter. Criteria: Invitae Variant Classification Sherloc (09022015). Collection method: clinical testing. Allele origin: germline.
Comment: This sequence change creates a premature translational stop signal (p.Ile548Aspfs*3) in the BRCA1 gene. It is expected to result in an absent or disrupted protein product. Loss-of-function variants in BRCA1 are known to be pathogenic (PMID: 20104584). This variant is not present in population databases (gnomAD no frequency). This variant has not been reported in the literature in individuals affected with BRCA1-related conditions. ClinVar contains an entry for this variant (Variation ID: 663277). For these reasons, this variant has been classified as Pathogenic.

Literature cited by the submitters: PubMed 20104584 (cited by Labcorp Genetics (formerly Invitae), Labcorp).